The following is an entry in ClinVar:

ClinVar aggregate classification (germline): Pathogenic. Review status: criteria provided, multiple submitters, no conflicts (2 of 4 stars). 5 submissions from 5 submitters: Pathogenic (4). 1 of the submissions does not count toward it. Last evaluated 2025-12-18.

Conditions:
BRAF-related disorder. Also called: BRAF-related condition.
RASopathy. Also called: rasopathies; Noonan spectrum disorder. Identifiers: Orphanet 536391, MedGen C5555857, MONDO:0021060.
Noonan syndrome (NS). Also called: Noonan's syndrome. Identifiers: Orphanet 648, MedGen C0028326, MeSH D009634, MONDO:0018997. Disease mechanism: gain of function.
Cardiofaciocutaneous syndrome 1 (CFC1). Also called: BRAF-Related Cardiofaciocutaneous Syndrome. Identifiers: Orphanet 1340, MedGen CN029449, MONDO:0007265, OMIM 115150. Disease mechanism: gain of function.

Submissions (5):

3billion
Classification: Pathogenic for BRAF-related disorder. Last evaluated: 2025-12-18. Review status: criteria provided, single submitter. Criteria: ACMG Guidelines, 2015. Collection method: clinical testing. Allele origin: germline. Affected: yes.
Comment: The variant is not observed in the gnomAD v4.1.0 dataset. Predicted Consequence/Location: Missense variant. Missense changes are a common disease-causing mechanism. In silico tool predictions suggest damaging effect of the variant on gene or gene product [REVEL: 1.00 (>=0.6, sensitivity 0.68 and specificity 0.92); 3Cnet: 0.99 (> 0.75, sensitivity 0.96 and precision 0.92)]. The same nucleotide change resulting in the same amino acid change has been previously reported as pathogenic/likely pathogenic with strong evidence (ClinVar ID: VCV000040373 /PMID: 25463315). Different missense changes at the same codon (p.Glu501Gln, p.Glu501Gly, p.Glu501Lys, p.Glu501Val) have been reported as pathogenic/likely pathogenic with strong evidence (ClinVar ID: VCV000013977, VCV000013978, VCV000040374, VCV000044807 /PMID: 16474404, 17704260 /3billion dataset). Therefore, this variant is classified as Pathogenic according to the recommendation of ACMG/AMP guideline.

Labcorp Genetics (formerly Invitae), Labcorp
Classification: Pathogenic for RASopathy. Last evaluated: 2021-08-13. Review status: criteria provided, single submitter. Criteria: Invitae Variant Classification Sherloc (09022015). Collection method: clinical testing. Allele origin: germline.

Revvity Omics, Revvity
Classification: Pathogenic. Last evaluated: 2021-04-07. Review status: criteria provided, single submitter. Criteria: ACMG Guidelines, 2015. Collection method: clinical testing. Allele origin: germline.

GeneDx
Classification: Pathogenic. Last evaluated: 2019-01-02. Review status: criteria provided, single submitter. Criteria: GeneDx Variant Classification (06012015). Collection method: clinical testing. Allele origin: germline. Affected: yes.
Comment: p.Glu501Ala (GAA>GCA): c.1502 A>C in exon 12 of the BRAF gene (NM_004333.4). The E501A missense mutation in the BRAF gene has not been previously reported in association with Cardio-Facio-Cutaneous syndrome. However, the E501 codon appears to be a hot spot for gain-of-function mutations, as other amino acid substitutions altering this codon, E501V, E501G and E501K, have been reported in patients with CFC syndrome (Nava et al., 2007 and Niihori et al., 2006). Functional in vitro studies have demonstrated that the E501G mutation results in decreased kinase activity and activation of downstream effectors (MEK and ERK) (Rodriguez-Viciana et al., 2008). The mechanism by which a presumed gain-of-function mutation would result in lower kinase activity in comparison to the wild-type protein is not clear (Rodriguez-Viciana et al., 2008). The variant is found in NOONAN panel(s).

Service de Génétique Moléculaire, Hôpital Robert Debré
Classification: Uncertain significance for Noonan syndrome. Review status: no assertion criteria provided. Collection method: clinical testing. Allele origin: unknown. Affected: yes. Not counted in ClinVar's aggregate classification.

Literature cited by the submitters: PubMed 25463315 (cited by 3billion); PubMed 16474404 (cited by 3billion).

NM_004333.6(BRAF):c.1502A>C (p.Glu501Ala)

Gene: BRAF (B-Raf proto-oncogene, serine/threonine kinase; minus strand). Cytogenetic location: 7q34.
Variant type: single nucleotide variant.
Coding change: c.1502A>C on transcript NM_004333.6 (MANE Select); coding-DNA position 1502, A replaced by C.
Protein change: p.Glu501Ala; replaces glutamic acid 501 with alanine.
Molecular consequence: missense variant.
Genome position (GRCh38, 1-based): chr7:140,778,006, T>G on the plus strand (A>C on the coding strand, the complement: BRAF is on the minus strand). VCF-style: chr7-140778006-T-G. GRCh37 (hg19) VCF-style: chr7-140477806-T-G.
Other names: p.E501A:GAA>GCA; c.1346A>C, p.Glu449Ala (NM_001378472.1, NM_001378473.1); c.1502A>C, p.Glu501Ala (NM_001378474.1, NM_001354609.2, NM_001378468.1); c.1238A>C, p.Glu413Ala (NM_001378475.1); c.1622A>C, p.Glu541Ala (NM_001374244.1, NM_001374258.1); c.1511A>C, p.Glu504Ala (NM_001378467.1); c.1436A>C, p.Glu479Ala (NM_001378469.1); c.1400A>C, p.Glu467Ala (NM_001378470.1); and 1 more; short protein forms E501A, E413A, E449A, E464A, E467A, E479A, E504A, E541A.
Identifiers: ClinVar variation 40373 (VCV000040373.14), dbSNP rs180177039, ClinGen allele CA281977.
Genomic context (GRCh38, chr7:140,778,006, plus strand): 5'-AAAATAACTTCTTTCTCTGGAAAAGAGTAATTCACACAAGCTCACCTGAGTACTCCTACT[T>G]CATTTTTGAAGGCTTGTAACTGCTGAGGTGTAGGTGCTGTCACATTCAACATTTTCACTG-3'
Protein context (NP_004324.2, residues 491-511): TPQQLQAFKN[Glu501Ala]VGVLRKTRHV